The following is an entry in ClinVar:

NM_001958.5(EEF1A2):c.207C>T (p.Arg69=)

Gene: EEF1A2 (eukaryotic translation elongation factor 1 alpha 2; minus strand). Cytogenetic location: 20q13.33.
Variant type: single nucleotide variant.
Coding change: c.207C>T on transcript NM_001958.5 (MANE Select); coding-DNA position 207, C replaced by T.
Protein change: p.Arg69=; no amino-acid change (arginine 69 retained).
Molecular consequence: synonymous variant.
Genome position (GRCh38, 1-based): chr20:63,495,973, G>A on the plus strand (C>T on the coding strand, the complement: EEF1A2 is on the minus strand). VCF-style: chr20-63495973-G-A. GRCh37 (hg19) VCF-style: chr20-62127326-G-A.
Other names: p.Arg69=.
Identifiers: ClinVar variation 380903 (VCV000380903.16), dbSNP rs3818681, ClinGen allele CA9959159.
Genomic context (GRCh38, chr20:63,495,973, plus strand): 5'-GATGGTGATGTAGTACTTGGTGGTCTCGAACTTCCAGAGGGAGATGTCGATGGTGATGCC[G>A]CGCTCACGCTCCGCCTTCAGCTTGTCCAGCACCCAGGCATACTTGAAGGATCCCTTCCCC-3'
Protein context (NP_001949.1, residues 59-79): VLDKLKAERE[Arg69=]GITIDISLWK

ClinVar aggregate classification (germline): Benign. Review status: criteria provided, multiple submitters, no conflicts (2 of 4 stars). 6 submissions from 6 submitters: Benign (6). Last evaluated 2026-02-03.

Conditions:
Developmental and epileptic encephalopathy, 33 (DEE33). Also called: Epileptic encephalopathy, early infantile, 33. Identifiers: Orphanet 442835, MedGen C4225337, MONDO:0014625, OMIM 616409.
Inborn genetic diseases. Identifiers: MedGen C0950123, MeSH D030342.

Allele frequency attached by ClinVar (database versions not stated): ESP Exome Variant Server 0.02522; gnomAD 0.03482 and 0.04189; TOPMed 0.04010; ExAC 0.06772; gnomAD exomes 0.06779; 1000 Genomes Project 30x 0.09728; 1000 Genomes Project 0.09764.
gnomAD v4.1: 71,241 of 1,613,086 alleles (4.4%); highest among the groups gnomAD compares: South Asian, 21%; 3,717 homozygotes.

Submissions (6):

Labcorp Genetics (formerly Invitae), Labcorp
Classification: Benign for Developmental and epileptic encephalopathy, 33. Last evaluated: 2026-02-03. Review status: criteria provided, single submitter. Criteria: Invitae Variant Classification Sherloc (09022015). Collection method: clinical testing. Allele origin: germline.

Mayo Clinic Laboratories, Mayo Clinic
Classification: Benign. Last evaluated: 2018-08-07. Review status: criteria provided, single submitter. Criteria: ACMG Guidelines, 2015. Collection method: clinical testing. Allele origin: germline. Observed: 37 variant alleles.

Athena Diagnostics
Classification: Benign. Last evaluated: 2017-06-28. Review status: criteria provided, single submitter. Criteria: Athena Diagnostics Criteria. Collection method: clinical testing. Allele origin: germline.

Ambry Genetics
Classification: Benign for Inborn genetic diseases. Last evaluated: 2016-03-21. Review status: criteria provided, single submitter. Criteria: Ambry Variant Classification Scheme 2023. Collection method: clinical testing. Allele origin: germline.

GeneDx
Classification: Benign. Last evaluated: 2016-01-14. Review status: criteria provided, single submitter. Criteria: GeneDx Variant Classification (06012015). Collection method: clinical testing. Allele origin: germline. Affected: yes.
Comment: This variant is considered likely benign or benign based on one or more of the following criteria: it is a conservative change, it occurs at a poorly conserved position in the protein, it is predicted to be benign by multiple in silico algorithms, and/or has population frequency not consistent with disease.

Breakthrough Genomics
Classification: Benign. Review status: criteria provided, single submitter. Criteria: ACMG Guidelines, 2015. Collection method: not provided. Allele origin: germline. Inheritance: Autosomal dominant inheritance. Affected: yes.